The following is an entry in ClinVar:

NM_001365951.3(KIF1B):c.2513A>G (p.His838Arg)

Gene: KIF1B (kinesin family member 1B; plus strand). Cytogenetic location: 1p36.22.
Variant type: single nucleotide variant.
Coding change: c.2513A>G on transcript NM_001365951.3 (MANE Select); coding-DNA position 2513, A replaced by G.
Protein change: p.His838Arg; replaces histidine 838 with arginine.
Molecular consequence: missense variant.
Genome position (GRCh38, 1-based): chr1:10,324,038, A>G. VCF-style: chr1-10324038-A-G. GRCh37 (hg19) VCF-style: chr1-10384096-A-G.
Other names: c.2513A>G, p.His838Arg (NM_001365952.1); c.2375A>G, p.His792Arg (NM_015074.3); short protein forms H792R, H838R.
Identifiers: ClinVar variation 3288421 (VCV003288421.1).

ClinVar aggregate classification (germline): Uncertain significance (1 of 4 stars; one submission).

gnomAD v4.1: 7 of 1,614,120 alleles (0.00043%); highest among the groups gnomAD compares: African/African-American, 0.0013%; no homozygotes.

Submission:

Ambry Genetics
Classification: Uncertain significance. Last evaluated: 2024-04-13. Review status: criteria provided, single submitter. Criteria: Ambry Variant Classification Scheme 2023. Collection method: clinical testing. Allele origin: germline.
Comment: The p.H792R variant (also known as c.2375A>G), located in coding exon 22 of the KIF1B gene, results from an A to G substitution at nucleotide position 2375. The histidine at codon 792 is replaced by arginine, an amino acid with highly similar properties. This amino acid position is conserved. In addition, this alteration is predicted to be deleterious by in silico analysis. Based on the available evidence, the clinical significance of this variant remains unclear.